The following is an entry in ClinVar:

ClinVar aggregate classification (germline): Uncertain significance (1 of 4 stars; one submission).

Submission:

Ambry Genetics
Classification: Uncertain significance. Last evaluated: 2026-01-20. Review status: criteria provided, single submitter. Criteria: Ambry Variant Classification Scheme 2023. Collection method: clinical testing. Allele origin: germline.
Comment: The p.S3N variant (also known as c.8G>A), located in coding exon 1 of the SRP72 gene, results from a G to A substitution at nucleotide position 8. The serine at codon 3 is replaced by asparagine, an amino acid with highly similar properties. This amino acid position is conserved. In addition, this alteration is predicted to be tolerated by in silico analysis. Based on the available evidence, the clinical significance of this variant remains unclear.

NM_006947.4(SRP72):c.8G>A (p.Ser3Asn)

Genes: SRP72 (signal recognition particle 72; plus strand), LOC129992625 (ATAC-STARR-seq lymphoblastoid active region 21580; plus strand). Cytogenetic location: 4q12.
Variant type: single nucleotide variant.
Coding change: c.8G>A on transcript NM_006947.4 (MANE Select); coding-DNA position 8, G replaced by A.
Protein change: p.Ser3Asn; replaces serine 3 with asparagine.
Molecular consequence: missense variant. On other transcripts: non-coding transcript variant (1).
Genome position (GRCh38, 1-based): chr4:56,467,643, G>A. VCF-style: chr4-56467643-G-A. GRCh37 (hg19) VCF-style: chr4-57333809-G-A.
Other names: c.8G>A, p.Ser3Asn (NM_001267722.2); short protein forms S3N.
Identifiers: ClinVar variation 4844200 (VCV004844200.1).